The following is an entry in ClinVar:

NM_016148.5(SHANK1):c.5458C>T (p.Pro1820Ser)

Gene: SHANK1 (SH3 and multiple ankyrin repeat domains 1; minus strand). Cytogenetic location: 19q13.33.
Variant type: single nucleotide variant.
Coding change: c.5458C>T on transcript NM_016148.5 (MANE Select); coding-DNA position 5458, C replaced by T.
Protein change: p.Pro1820Ser; replaces proline 1820 with serine.
Molecular consequence: missense variant.
Genome position (GRCh38, 1-based): chr19:50,666,502, G>A on the plus strand (C>T on the coding strand, the complement: SHANK1 is on the minus strand). VCF-style: chr19-50666502-G-A. GRCh37 (hg19) VCF-style: chr19-51169759-G-A.
Other names: short protein forms P1820S.
Identifiers: ClinVar variation 2650354 (VCV002650354.24), dbSNP rs2513874271, ClinGen allele CA407006327.
Genomic context (GRCh38, chr19:50,666,502, plus strand): 5'-AGGGCAGCAGCTTCCGGGGCAGAGAGGAGGCCGTCGGCAAGGGCACCGGTGGGACTTCTG[G>A]CTCTACAGCCACCGGACCCCCCGCCACGCCTGCCGTGGGGGGTCCTGAACAAGCACGCAG-3'
Protein context (NP_057232.2, residues 1810-1830): GVAGGPVAVE[Pro1820Ser]EVPPVPLPTA

ClinVar aggregate classification (germline): Uncertain significance (1 of 4 stars; one submission).

Submission:

CeGaT Center for Human Genetics Tuebingen
Classification: Uncertain significance. Last evaluated: 2022-09-01. Review status: criteria provided, single submitter. Criteria: CeGaT Center For Human Genetics Tuebingen Variant Classification Criteria Version 2. Collection method: clinical testing. Allele origin: germline. Affected: yes. Observed: 1 variant allele.
Comment: SHANK1: PM2, PP2